The following is an entry in ClinVar:

NM_004006.3(DMD):c.316C>G (p.Leu106Val)

Gene: DMD (dystrophin; minus strand). Cytogenetic location: Xp21.1.
Variant type: single nucleotide variant.
Coding change: c.316C>G on transcript NM_004006.3 (MANE Select); coding-DNA position 316, C replaced by G.
Protein change: p.Leu106Val; replaces leucine 106 with valine.
Molecular consequence: missense variant. On other transcripts: 5 prime UTR variant (1).
Genome position (GRCh38, 1-based): chrX:32,823,336, G>C on the plus strand (C>G on the coding strand, the complement: DMD is on the minus strand). VCF-style: chrX-32823336-G-C. GRCh37 (hg19) VCF-style: chrX-32841453-G-C.
Other names: c.292C>G, p.Leu98Val (NM_000109.4); c.304C>G, p.Leu102Val (NM_004009.3); c.-54C>G (NM_004010.3); short protein forms L102V, L106V, L98V.
Identifiers: ClinVar variation 2159846 (VCV002159846.2), dbSNP rs1326193346, ClinGen allele CA412674498.
Genomic context (GRCh38, chrX:32,823,336, plus strand): 5'-CATTCATCAGGATTCTTACCTGCCAGTGGAGGATTATATTCCAAATCAAACCAAGAGTCA[G>C]TTTATGATTTCCATCTACGATGTCAGTACTTCCAATATTCACTAAATCAACCTGTTAAAG-3'
Protein context (NP_003997.2, residues 96-116): STDIVDGNHK[Leu106Val]TLGLIWNIIL

ClinVar aggregate classification (germline): Uncertain significance. Review status: criteria provided, multiple submitters, no conflicts (2 of 4 stars). 2 submissions from 2 submitters: Uncertain significance (2). Last evaluated 2021-08-28.

Conditions:
Duchenne muscular dystrophy (DMD). Also called: Duchenne Muscular Dystrophy (DMD); MUSCULAR DYSTROPHY, PSEUDOHYPERTROPHIC PROGRESSIVE, DUCHENNE TYPE. Identifiers: Orphanet 98896, MedGen C0013264, MONDO:0010679, OMIM 310200.

Submissions (2):

Labcorp Genetics (formerly Invitae), Labcorp
Classification: Uncertain significance for Duchenne muscular dystrophy. Last evaluated: 2021-08-28. Review status: criteria provided, single submitter. Criteria: Invitae Variant Classification Sherloc (09022015). Collection method: clinical testing. Allele origin: germline.
Comment: This sequence change replaces leucine with valine at codon 106 of the DMD protein (p.Leu106Val). The leucine residue is highly conserved and there is a small physicochemical difference between leucine and valine. This variant is not present in population databases (ExAC no frequency). This variant has not been reported in the literature in individuals affected with DMD-related conditions. Algorithms developed to predict the effect of missense changes on protein structure and function (SIFT, PolyPhen-2, Align-GVGD) all suggest that this variant is likely to be disruptive. Algorithms developed to predict the effect of sequence changes on RNA splicing suggest that this variant may create or strengthen a splice site. In summary, the available evidence is currently insufficient to determine the role of this variant in disease. Therefore, it has been classified as a Variant of Uncertain Significance.

Blueprint Genetics
Classification: Uncertain significance. Last evaluated: 2018-12-18. Review status: criteria provided, single submitter. Criteria: ACMG Guidelines, 2015. Collection method: clinical testing. Allele origin: germline.